The following is an entry in ClinVar:

NM_001042492.3(NF1):c.7757C>T (p.Ser2586Leu)

Gene: NF1 (neurofibromin 1; plus strand). Cytogenetic location: 17q11.2.
Variant type: single nucleotide variant.
Coding change: c.7757C>T on transcript NM_001042492.3 (MANE Select); coding-DNA position 7757, C replaced by T.
Protein change: p.Ser2586Leu; replaces serine 2586 with leucine.
Molecular consequence: missense variant.
Genome position (GRCh38, 1-based): chr17:31,356,978, C>T. VCF-style: chr17-31356978-C-T. GRCh37 (hg19) VCF-style: chr17-29683996-C-T.
Other names: c.7694C>T, p.Ser2565Leu (NM_000267.4); short protein forms S2586L, S2565L.
Identifiers: ClinVar variation 1034916 (VCV001034916.10), dbSNP rs769876049, ClinGen allele CA8487660.

ClinVar aggregate classification (germline): Uncertain significance. Review status: criteria provided, multiple submitters, no conflicts (2 of 4 stars). 4 submissions from 4 submitters: Uncertain significance (4). Last evaluated 2025-09-10.

Conditions:
Hereditary cancer-predisposing syndrome. Also called: Neoplastic Syndromes, Hereditary; Hereditary Cancer Syndrome; Tumor predisposition; Hereditary neoplastic syndrome. Identifiers: Orphanet 140162, MedGen C0027672, MeSH D009386, MONDO:0015356.
Cardiovascular phenotype. Identifiers: MedGen CN230736.
Neurofibromatosis, type 1 (NF1). Also called: NEUROFIBROMATOSIS, TYPE I, SOMATIC; VON RECKLINGHAUSEN DISEASE; Peripheral type neurofibromatosis; Neurofibromatosis, type I. Identifiers: Orphanet 636, MedGen C0027831, MONDO:0018975, OMIM 162200. Disease mechanism: loss of function.

Allele frequency attached by ClinVar (database versions not stated): ExAC 0.00001; gnomAD 0.00001; gnomAD exomes 0.00001 and 0.00002.
gnomAD v4.1: 12 of 1,613,900 alleles (0.00074%); highest among the groups gnomAD compares: South Asian, 0.013%; no homozygotes.

Submissions (4):

Labcorp Genetics (formerly Invitae), Labcorp
Classification: Uncertain significance for Neurofibromatosis, type 1. Last evaluated: 2025-09-10. Review status: criteria provided, single submitter. Criteria: Invitae Variant Classification Sherloc (09022015). Collection method: clinical testing. Allele origin: germline.
Comment: This sequence change replaces serine, which is neutral and polar, with leucine, which is neutral and non-polar, at codon 2565 of the NF1 protein (p.Ser2565Leu). This variant is present in population databases (rs769876049, gnomAD 0.01%). This variant has not been reported in the literature in individuals affected with NF1-related conditions. ClinVar contains an entry for this variant (Variation ID: 1034916). Invitae Evidence Modeling of protein sequence and biophysical properties (such as structural, functional, and spatial information, amino acid conservation, physicochemical variation, residue mobility, and thermodynamic stability) indicates that this missense variant is not expected to disrupt NF1 protein function with a negative predictive value of 95%. Algorithms developed to predict the effect of sequence changes on RNA splicing suggest that this variant may create or strengthen a splice site. In summary, the available evidence is currently insufficient to determine the role of this variant in disease. Therefore, it has been classified as a Variant of Uncertain Significance.

Ambry Genetics
Classification: Uncertain significance for Cardiovascular phenotype; Hereditary cancer-predisposing syndrome. Last evaluated: 2025-07-11. Review status: criteria provided, single submitter. Criteria: Ambry Variant Classification Scheme 2023. Collection method: clinical testing. Allele origin: germline.
Comment: The p.S2565L variant (also known as c.7694C>T), located in coding exon 52 of the NF1 gene, results from a C to T substitution at nucleotide position 7694. The serine at codon 2565 is replaced by leucine, an amino acid with dissimilar properties. This amino acid position is conserved. In addition, this alteration is predicted to be tolerated by in silico analysis. Since supporting evidence is limited at this time, the clinical significance of this alteration remains unclear.

Genome-Nilou Lab
Classification: Uncertain significance for Neurofibromatosis, type 1. Last evaluated: 2022-03-15. Review status: criteria provided, single submitter. Criteria: ACMG Guidelines, 2015. Collection method: clinical testing. Allele origin: germline. Affected: no.

GeneDx
Classification: Uncertain significance. Last evaluated: 2019-11-07. Review status: criteria provided, single submitter. Criteria: GeneDx Variant Classification Process June 2021. Collection method: clinical testing. Allele origin: germline. Affected: yes.
Comment: In silico analysis, which includes protein predictors and evolutionary conservation, supports that this variant does not alter protein structure/function; Has not been previously published as pathogenic or benign to our knowledge